The following is an entry in ClinVar:

NM_002519.3(NPAT):c.3840_3843del (p.Glu1281fs)

Gene: NPAT (nuclear protein, coactivator of histone transcription; minus strand). Cytogenetic location: 11q22.3.
Variant type: Deletion.
Coding change: c.3840_3843del on transcript NM_002519.3 (MANE Select); coding-DNA positions 3840 to 3843, 4 bases deleted (AGAA; older notation c.3840_3843delAGAA).
Protein change: p.Glu1281fs; shifts the reading frame from glutamic acid 1281.
Molecular consequence: frameshift variant.
Genome position (GRCh38, 1-based): chr11:108,161,243-108,161,246, TTCT deleted on the plus strand (AGAA on the coding strand, the reverse complement: NPAT is on the minus strand); deleting any 4 consecutive bases within chr11:108,161,243-108,161,248 gives the same sequence; the c. name uses the placement nearest the transcript's 3' end. VCF-style (leftmost placement, unchanged base first): chr11-108161242-CTTCT-C. GRCh37 (hg19) VCF-style: chr11-108031969-CTTCT-C.
Other names: c.3861_3864del, p.Glu1288fs (NM_001321307.1); short protein forms E1281fs, E1288fs.
Identifiers: ClinVar variation 4759305 (VCV004759305.1).

ClinVar aggregate classification (germline): Uncertain significance (1 of 4 stars; one submission).

Conditions:
Familial colorectal cancer type X. Identifiers: Orphanet 440437, MedGen C3896578, MONDO:0018604.

Submission:

Institute for Genomic Medicine (IGM) Clinical Laboratory, Nationwide Children's Hospital
Classification: Uncertain significance for Familial colorectal cancer type X. Last evaluated: 2025-04-29. Review status: criteria provided, single submitter. Criteria: ACMG Guidelines, 2015. Collection method: clinical testing. Allele origin: germline.
Comment: This variant is absent from or present at an exceedingly low frequency in gnomAD, a large-scale control population database (ACMG/AMP: PM2).